The following is an entry in ClinVar:

NM_004035.7(ACOX1):c.109G>A (p.Glu37Lys)

Gene: ACOX1 (acyl-CoA oxidase 1; minus strand). Cytogenetic location: 17q25.1.
Variant type: single nucleotide variant.
Coding change: c.109G>A on transcript NM_004035.7 (MANE Select); coding-DNA position 109, G replaced by A.
Protein change: p.Glu37Lys; replaces glutamic acid 37 with lysine.
Molecular consequence: missense variant. On other transcripts: 5 prime UTR variant (1).
Genome position (GRCh38, 1-based): chr17:75,978,965, C>T on the plus strand (G>A on the coding strand, the complement: ACOX1 is on the minus strand). VCF-style: chr17-75978965-C-T. GRCh37 (hg19) VCF-style: chr17-73975046-C-T.
Other names: c.-180G>A (NM_001185039.2); c.109G>A, p.Glu37Lys (NM_007292.6); short protein forms E37K.
Identifiers: ClinVar variation 2030263 (VCV002030263.4), dbSNP rs2546098689, ClinGen allele CA401084321.

ClinVar aggregate classification (germline): Uncertain significance (1 of 4 stars; one submission).

Conditions:
Acyl-CoA oxidase deficiency. Also called: Pseudoneonatal adrenoleukodystrophy; Peroxisomal acyl-CoA oxidase deficiency; STRAIGHT-CHAIN ACYL-CoA OXIDASE DEFICIENCY. Identifiers: Orphanet 2971, MedGen C1849678, MONDO:0009919, OMIM 264470. Disease mechanism: loss of function.

Submission:

Labcorp Genetics (formerly Invitae), Labcorp
Classification: Uncertain significance for Acyl-CoA oxidase deficiency. Last evaluated: 2022-09-13. Review status: criteria provided, single submitter. Criteria: Invitae Variant Classification Sherloc (09022015). Collection method: clinical testing. Allele origin: germline.
Comment: In summary, the available evidence is currently insufficient to determine the role of this variant in disease. Therefore, it has been classified as a Variant of Uncertain Significance. Variants that disrupt the consensus splice site are a relatively common cause of aberrant splicing (PMID: 17576681, 9536098). Algorithms developed to predict the effect of sequence changes on RNA splicing suggest that this variant may disrupt the consensus splice site. Algorithms developed to predict the effect of missense changes on protein structure and function (SIFT, PolyPhen-2, Align-GVGD) all suggest that this variant is likely to be tolerated. This variant has not been reported in the literature in individuals affected with ACOX1-related conditions. This variant is not present in population databases (gnomAD no frequency). This sequence change replaces glutamic acid, which is acidic and polar, with lysine, which is basic and polar, at codon 37 of the ACOX1 protein (p.Glu37Lys). This variant also falls at the last nucleotide of exon 1, which is part of the consensus splice site for this exon.

Literature cited by the submitters: PubMed 17576681; PubMed 9536098.